The following is an entry in ClinVar:

NM_000540.3(RYR1):c.5917C>T (p.Gln1973Ter)

Gene: RYR1 (ryanodine receptor 1; plus strand). Cytogenetic location: 19q13.2.
Variant type: single nucleotide variant.
Coding change: c.5917C>T on transcript NM_000540.3 (MANE Select); coding-DNA position 5917, C replaced by T.
Protein change: p.Gln1973Ter; replaces glutamine 1973 with a stop codon.
Molecular consequence: nonsense.
Genome position (GRCh38, 1-based): chr19:38,490,178, C>T. VCF-style: chr19-38490178-C-T. GRCh37 (hg19) VCF-style: chr19-38980818-C-T.
Other names: c.5917C>T, p.Gln1973Ter (NM_001042723.2); short protein forms Q1973*.
Identifiers: ClinVar variation 1075282 (VCV001075282.7), dbSNP rs2145562180, ClinGen allele CA405660487.
Genomic context (GRCh38, chr19:38,490,178, plus strand): 5'-CACCGTGTGGAGTCCCTGGCAGCCTTTGCGGAGCGCTATGTGGACAAGCTCCAGGCCAAC[C>T]AGCGGAGCCGCTATGGCCTCCTCATAAAAGCCTTCAGCATGACCGCAGCAGAGACTGCAA-3'

ClinVar aggregate classification (germline): Pathogenic (1 of 4 stars; one submission).

Conditions:
RYR1-related disorder. Also called: RYR1-related condition; RYR1-related disorders. Identifiers: MedGen CN239331.

Allele frequency attached by ClinVar (database versions not stated): gnomAD exomes below 0.00001.
gnomAD v4.1: 2 of 1,614,242 alleles (0.00012%); highest among the groups gnomAD compares: African/African-American, 0.0013%; no homozygotes.

Submission:

Labcorp Genetics (formerly Invitae), Labcorp
Classification: Pathogenic for RYR1-related disorder. Last evaluated: 2020-02-17. Review status: criteria provided, single submitter. Criteria: Invitae Variant Classification Sherloc (09022015). Collection method: clinical testing. Allele origin: germline.
Comment: This sequence change creates a premature translational stop signal (p.Gln1973*) in the RYR1 gene. It is expected to result in an absent or disrupted protein product. This variant is not present in population databases (ExAC no frequency). This variant has not been reported in the literature in individuals with RYR1-related conditions. Loss-of-function variants in RYR1 are known to be pathogenic (PMID: 20583297, 20839240, 23919265, 28818389). For these reasons, this variant has been classified as Pathogenic.

Literature cited by the submitters: PubMed 20583297; PubMed 20839240; PubMed 23919265; PubMed 28818389.